The following is an entry in ClinVar:

NM_201548.5(CERKL):c.1074-2A>C

Gene: CERKL (CERK like autophagy regulator; minus strand). Cytogenetic location: 2q31.3.
Variant type: single nucleotide variant.
Coding change: c.1074-2A>C on transcript NM_201548.5 (MANE Select); the canonical splice acceptor site of the intron before coding-DNA position 1074, A replaced by C.
Molecular consequence: splice acceptor variant.
Genome position (GRCh38, 1-based): chr2:181,548,606, T>G on the plus strand (A>C on the coding strand, the complement: CERKL is on the minus strand). VCF-style: chr2-181548606-T-G. GRCh37 (hg19) VCF-style: chr2-182413333-T-G.
Other names: c.1020-2A>C (NM_001160277.2); c.867-2A>C (NM_001030313.3); c.1152-2A>C (NM_001030311.3); c.735-2A>C (NM_001030312.3).
Identifiers: ClinVar variation 2913704 (VCV002913704.4), dbSNP rs2105803582, ClinGen allele CA349736665.

ClinVar aggregate classification (germline): Likely pathogenic. Review status: criteria provided, multiple submitters, no conflicts (2 of 4 stars). 2 submissions from 2 submitters: Likely pathogenic (2). Last evaluated 2024-02-06.

Conditions:
Retinitis pigmentosa 26 (RP26). Identifiers: Orphanet 791, MedGen C1842127, MONDO:0012024, OMIM 608380.

gnomAD v4.1: 2 of 1,613,222 alleles (0.00012%); highest among the groups gnomAD compares: African/African-American, 0.0013%; no homozygotes.

Submissions (2):

Baylor Genetics
Classification: Likely pathogenic for Retinitis pigmentosa 26. Last evaluated: 2024-02-06. Review status: criteria provided, single submitter. Criteria: ACMG Guidelines, 2015. Collection method: clinical testing. Allele origin: unknown.

Labcorp Genetics (formerly Invitae), Labcorp
Classification: Likely pathogenic. Last evaluated: 2023-12-11. Review status: criteria provided, single submitter. Criteria: Invitae Variant Classification Sherloc (09022015). Collection method: clinical testing. Allele origin: germline.
Comment: This sequence change affects an acceptor splice site in intron 8 of the CERKL gene. It is expected to disrupt RNA splicing. Variants that disrupt the donor or acceptor splice site typically lead to a loss of protein function (PMID: 16199547), and loss-of-function variants in CERKL are known to be pathogenic (PMID: 14681825, 23591405, 24043777). This variant is not present in population databases (gnomAD no frequency). This variant has not been reported in the literature in individuals affected with CERKL-related conditions. Algorithms developed to predict the effect of sequence changes on RNA splicing suggest that this variant may disrupt the consensus splice site. In summary, the currently available evidence indicates that the variant is pathogenic, but additional data are needed to prove that conclusively. Therefore, this variant has been classified as Likely Pathogenic.

Literature cited by the submitters: PubMed 16199547 (cited by Labcorp Genetics (formerly Invitae), Labcorp); PubMed 14681825 (cited by Labcorp Genetics (formerly Invitae), Labcorp); PubMed 23591405 (cited by Labcorp Genetics (formerly Invitae), Labcorp); PubMed 24043777 (cited by Labcorp Genetics (formerly Invitae), Labcorp).